The following is an entry in ClinVar:

NM_003680.4(YARS1):c.389C>T (p.Thr130Ile)

Gene: YARS1 (tyrosyl-tRNA synthetase 1; minus strand). Cytogenetic location: 1p35.1.
Variant type: single nucleotide variant.
Coding change: c.389C>T on transcript NM_003680.4 (MANE Select); coding-DNA position 389, C replaced by T.
Protein change: p.Thr130Ile; replaces threonine 130 with isoleucine.
Molecular consequence: missense variant.
Genome position (GRCh38, 1-based): chr1:32,806,603, G>A on the plus strand (C>T on the coding strand, the complement: YARS1 is on the minus strand). VCF-style: chr1-32806603-G-A. GRCh37 (hg19) VCF-style: chr1-33272204-G-A.
Other names: short protein forms T130I.
Identifiers: ClinVar variation 2832002 (VCV002832002.3), dbSNP rs2523426800, ClinGen allele CA339686956.

ClinVar aggregate classification (germline): Uncertain significance (1 of 4 stars; one submission).

Conditions:
Charcot-Marie-Tooth disease dominant intermediate C (CMTDIC). Also called: CHARCOT-MARIE-TOOTH NEUROPATHY, DOMINANT INTERMEDIATE C. Identifiers: Orphanet 100045, MedGen C1842237, MONDO:0012012, OMIM 608323.

Allele frequency attached by ClinVar (database versions not stated): gnomAD exomes below 0.00001.
gnomAD v4.1: 4 of 1,614,144 alleles (0.00025%); highest among the groups gnomAD compares: East Asian, 0.0022%; no homozygotes.

Submission:

Labcorp Genetics (formerly Invitae), Labcorp
Classification: Uncertain significance for Charcot-Marie-Tooth disease dominant intermediate C. Last evaluated: 2023-01-26. Review status: criteria provided, single submitter. Criteria: Invitae Variant Classification Sherloc (09022015). Collection method: clinical testing. Allele origin: germline.
Comment: In summary, the available evidence is currently insufficient to determine the role of this variant in disease. Therefore, it has been classified as a Variant of Uncertain Significance. Advanced modeling of protein sequence and biophysical properties (such as structural, functional, and spatial information, amino acid conservation, physicochemical variation, residue mobility, and thermodynamic stability) performed at Invitae indicates that this missense variant is not expected to disrupt YARS protein function. This variant has not been reported in the literature in individuals affected with YARS-related conditions. This variant is not present in population databases (gnomAD no frequency). This sequence change replaces threonine, which is neutral and polar, with isoleucine, which is neutral and non-polar, at codon 130 of the YARS protein (p.Thr130Ile).